The following is an entry in ClinVar:

NM_033159.4(HYAL1):c.827C>T (p.Ala276Val)

Gene: HYAL1 (hyaluronidase 1; minus strand). Cytogenetic location: 3p21.31.
Variant type: single nucleotide variant.
Coding change: c.827C>T on transcript NM_033159.4 (MANE Select); coding-DNA position 827, C replaced by T.
Protein change: p.Ala276Val; replaces alanine 276 with valine.
Molecular consequence: missense variant. On other transcripts: non-coding transcript variant (1).
Genome position (GRCh38, 1-based): chr3:50,302,130, G>A on the plus strand (C>T on the coding strand, the complement: HYAL1 is on the minus strand). VCF-style: chr3-50302130-G-A. GRCh37 (hg19) VCF-style: chr3-50339561-G-A.
Other names: c.827C>T, p.Ala276Val (NM_007312.3, NM_153281.2, NM_153282.3); c.281C>T, p.Ala94Val (NM_153283.3); c.50C>T, p.Ala17Val (NM_153285.3); c.827C>T (NM_153281.1); short protein forms A94V, A276V, A17V.
Identifiers: ClinVar variation 2202811 (VCV002202811.2), dbSNP rs1162911397, ClinGen allele CA352892284.

ClinVar aggregate classification (germline): Uncertain significance. Review status: criteria provided, multiple submitters, no conflicts (2 of 4 stars). 2 submissions from 2 submitters: Uncertain significance (2). Last evaluated 2025-12-16.

Conditions:
Deficiency of hyaluronoglucosaminidase (MPS9). Also called: Mucopolysaccharidosis type 9; HYALURONIDASE DEFICIENCY; MPS IX. Identifiers: Orphanet 67041, MedGen C1291490, MONDO:0011093, OMIM 601492.

Allele frequency attached by ClinVar (database versions not stated): gnomAD exomes below 0.00001; gnomAD 0.00001; TOPMed 0.00002.

Submissions (2):

Ambry Genetics
Classification: Uncertain significance. Last evaluated: 2025-12-16. Review status: criteria provided, single submitter. Criteria: Ambry Variant Classification Scheme 2023. Collection method: clinical testing. Allele origin: germline.

Labcorp Genetics (formerly Invitae), Labcorp
Classification: Uncertain significance for Deficiency of hyaluronoglucosaminidase. Last evaluated: 2022-04-07. Review status: criteria provided, single submitter. Criteria: Invitae Variant Classification Sherloc (09022015). Collection method: clinical testing. Allele origin: germline.
Comment: This sequence change replaces alanine, which is neutral and non-polar, with valine, which is neutral and non-polar, at codon 276 of the HYAL1 protein (p.Ala276Val). This variant is not present in population databases (gnomAD no frequency). This variant has not been reported in the literature in individuals affected with HYAL1-related conditions. Algorithms developed to predict the effect of missense changes on protein structure and function output the following: SIFT: "Tolerated"; PolyPhen-2: "Benign"; Align-GVGD: "Class C0". The valine amino acid residue is found in multiple mammalian species, which suggests that this missense change does not adversely affect protein function. In summary, the available evidence is currently insufficient to determine the role of this variant in disease. Therefore, it has been classified as a Variant of Uncertain Significance.